The following is an entry in ClinVar:

NM_000059.4(BRCA2):c.6937+5A>T

Gene: BRCA2 (BRCA2 DNA repair associated; plus strand). Cytogenetic location: 13q13.1.
Variant type: single nucleotide variant.
Coding change: c.6937+5A>T on transcript NM_000059.4 (MANE Select); 5 bases into the intron after coding-DNA position 6937, A replaced by T.
Molecular consequence: intron variant.
Genome position (GRCh38, 1-based): chr13:32,344,658, A>T. VCF-style: chr13-32344658-A-T. GRCh37 (hg19) VCF-style: chr13-32918795-A-T.
Other names: IVS12+5A>T.
Identifiers: ClinVar variation 38073 (VCV000038073.16), dbSNP rs397507379, ClinGen allele CA024585.

ClinVar aggregate classification (germline): Uncertain significance. Review status: criteria provided, multiple submitters, no conflicts (2 of 4 stars). 4 submissions from 4 submitters: Uncertain significance (3). 1 of the submissions does not count toward it. Last evaluated 2025-09-08.

Conditions:
Hereditary cancer-predisposing syndrome. Also called: Tumor predisposition; Neoplastic Syndromes, Hereditary; Hereditary neoplastic syndrome; Hereditary Cancer Syndrome. Identifiers: Orphanet 140162, MedGen C0027672, MeSH D009386, MONDO:0015356.
Hereditary breast ovarian cancer syndrome. Also called: Hereditary breast and ovarian cancer; Hereditary breast and ovarian cancer syndrome (HBOC); Hereditary breast and/or ovarian cancer syndrome; Breast and ovarian cancer; Hereditary breast and ovarian cancer syndrome; BRCA1- and BRCA2-Associated Hereditary Breast and Ovarian Cancer. Identifiers: Orphanet 145, MedGen C0677776, MeSH D061325, MONDO:0003582. Disease mechanism: loss of function.
Breast-ovarian cancer, familial, susceptibility to, 2 (BROVCA2). Also called: BRCA2 Hereditary Breast and Ovarian Cancer. Identifiers: Orphanet 145, MedGen C2675520, MONDO:0012933, OMIM 612555. Disease mechanism: loss of function.

Submissions (4):

Color Diagnostics, LLC DBA Color Health
Classification: Uncertain significance for Hereditary cancer-predisposing syndrome. Last evaluated: 2025-09-08. Review status: criteria provided, single submitter. Criteria: ACMG Guidelines, 2015. Collection method: clinical testing. Allele origin: germline.
Comment: This variant causes an A to T nucleotide substitution at the +5 position of intron 12 of the BRCA2 gene. To our knowledge, functional studies have not been reported for this variant. This variant has not been reported in individuals affected with BRCA2-related disorders in the literature. This variant has not been identified in the general population by the Genome Aggregation Database (gnomAD). The available evidence is insufficient to determine the role of this variant in disease conclusively. Therefore, this variant is classified as a Variant of Uncertain Significance.

Ambry Genetics
Classification: Uncertain significance for Hereditary cancer-predisposing syndrome. Last evaluated: 2024-03-26. Review status: criteria provided, single submitter. Criteria: Ambry Variant Classification Scheme 2023. Collection method: clinical testing. Allele origin: germline.
Comment: The c.6937+5A>T intronic variant results from an A to T substitution 5 nucleotides after coding exon 11 in the BRCA2 gene. This nucleotide position is not well conserved in available vertebrate species. In silico splice site analysis predicts that this alteration will not have any significant effect on splicing. Based on the available evidence, the clinical significance of this alteration remains unclear.

Labcorp Genetics (formerly Invitae), Labcorp
Classification: Uncertain significance for Hereditary breast ovarian cancer syndrome. Last evaluated: 2023-06-16. Review status: criteria provided, single submitter. Criteria: Invitae Variant Classification Sherloc (09022015). Collection method: clinical testing. Allele origin: germline.
Comment: This sequence change falls in intron 12 of the BRCA2 gene. It does not directly change the encoded amino acid sequence of the BRCA2 protein. It affects a nucleotide within the consensus splice site. This variant is not present in population databases (gnomAD no frequency). This variant has not been reported in the literature in individuals affected with BRCA2-related conditions. ClinVar contains an entry for this variant (Variation ID: 38073). Variants that disrupt the consensus splice site are a relatively common cause of aberrant splicing (PMID: 17576681, 9536098). Algorithms developed to predict the effect of sequence changes on RNA splicing suggest that this variant is not likely to affect RNA splicing. In summary, the available evidence is currently insufficient to determine the role of this variant in disease. Therefore, it has been classified as a Variant of Uncertain Significance.

Sharing Clinical Reports Project (SCRP)
Classification: Uncertain significance for Breast-ovarian cancer, familial 2. Last evaluated: 2007-06-11. Review status: no assertion criteria provided. Collection method: clinical testing. Allele origin: germline. Not counted in ClinVar's aggregate classification.

Literature cited by the submitters: PubMed 17576681 (cited by Labcorp Genetics (formerly Invitae), Labcorp); PubMed 9536098 (cited by Labcorp Genetics (formerly Invitae), Labcorp).